The following is an entry in ClinVar:

ClinVar aggregate classification (germline): Pathogenic (1 of 4 stars; one submission).

Submission:

Labcorp Genetics (formerly Invitae), Labcorp
Classification: Pathogenic. Last evaluated: 2021-10-05. Review status: criteria provided, single submitter. Criteria: Invitae Variant Classification Sherloc (09022015). Collection method: clinical testing. Allele origin: germline.
Comment: For these reasons, this variant has been classified as Pathogenic. This variant has not been reported in the literature in individuals affected with LAMB3-related conditions. This variant is not present in population databases (ExAC no frequency). This sequence change creates a premature translational stop signal (p.Gln808*) in the LAMB3 gene. It is expected to result in an absent or disrupted protein product. Loss-of-function variants in LAMB3 are known to be pathogenic (PMID: 11023379, 16473856).

Literature cited by the submitters: PubMed 11023379; PubMed 16473856.

NM_000228.3(LAMB3):c.2422C>T (p.Gln808Ter)

Gene: LAMB3 (laminin subunit beta 3; minus strand). Cytogenetic location: 1q32.2.
Variant type: single nucleotide variant.
Coding change: c.2422C>T on transcript NM_000228.3 (MANE Select); coding-DNA position 2422, C replaced by T.
Protein change: p.Gln808Ter; replaces glutamine 808 with a stop codon.
Molecular consequence: nonsense.
Genome position (GRCh38, 1-based): chr1:209,623,116, G>A on the plus strand (C>T on the coding strand, the complement: LAMB3 is on the minus strand). VCF-style: chr1-209623116-G-A. GRCh37 (hg19) VCF-style: chr1-209796461-G-A.
Other names: c.2422C>T, p.Gln808Ter (NM_001017402.2, NM_001127641.1); short protein forms Q808*.
Identifiers: ClinVar variation 1453961 (VCV001453961.6), dbSNP rs1666268592, ClinGen allele CA344588060.